The following is an entry in ClinVar:

NM_015335.5(MED13L):c.6073dup (p.Met2025fs)

Gene: MED13L (mediator complex subunit 13L; minus strand). Cytogenetic location: 12q24.21.
Variant type: Duplication.
Coding change: c.6073dup on transcript NM_015335.5 (MANE Select); coding-DNA position 6073, one base duplicated (A; older notation c.6073dupA).
Protein change: p.Met2025fs; shifts the reading frame from methionine 2025.
Molecular consequence: frameshift variant.
Genome position (GRCh38, 1-based): chr12:115,969,092, T duplicated on the plus strand (A on the coding strand, the reverse complement: MED13L is on the minus strand). VCF-style (leftmost placement, unchanged base first): chr12-115969091-A-AT. GRCh37 (hg19) VCF-style: chr12-116406896-A-AT.
Other names: c.6073dupA (NM_015335.4); short protein forms M2025fs.
Identifiers: ClinVar variation 429444 (VCV000429444.2), dbSNP rs1131691386, ClinGen allele CA645369591.
Genomic context (GRCh38, chr12:115,969,091, plus strand): 5'-CCAGTCATTAATATGCCAATATCATTGTCCATATCATCTGGGAATGGAAGGTCAACAAAC[A>AT]TATCATCTAGAGGGAAGGGGGGAAAAAAAGCACAAAAATTAAAAAGATAGTCCACATATC-3'

ClinVar aggregate classification (germline): Pathogenic (1 of 4 stars; one submission).

Submission:

GeneDx
Classification: Pathogenic. Last evaluated: 2017-05-09. Review status: criteria provided, single submitter. Criteria: GeneDx Variant Classification (06012015). Collection method: clinical testing. Allele origin: germline. Affected: yes.
Comment: The c.6073dupA variant in the MED13L gene has not been reported previously as a pathogenic variant nor as a benign variant, to our knowledge. The c.6073dupA variant causes a frameshift starting with codon Methionine 2025, changes this amino acid to an Asparagine residue, and creates a premature Stop codon at position 4 of the new reading frame, denoted p.Met2025AsnfsX4. This variant is predicted to cause loss of normal protein function either through protein truncation or nonsense-mediated mRNA decay. The c.6073dupA variant is not observed in large population cohorts (Lek et al., 2016; 1000 Genomes Consortium et al., 2015; Exome Variant Server). We interpret c.6073dupA as a pathogenic variant.